The following is an entry in ClinVar:

NM_198253.3(TERT):c.2951G>A (p.Ser984Asn)

Gene: TERT (telomerase reverse transcriptase; minus strand). Cytogenetic location: 5p15.33.
Variant type: single nucleotide variant.
Coding change: c.2951G>A on transcript NM_198253.3 (MANE Select); coding-DNA position 2951, G replaced by A.
Protein change: p.Ser984Asn; replaces serine 984 with asparagine.
Molecular consequence: missense variant. On other transcripts: non-coding transcript variant (2).
Genome position (GRCh38, 1-based): chr5:1,260,493, C>T on the plus strand (G>A on the coding strand, the complement: TERT is on the minus strand). VCF-style: chr5-1260493-C-T. GRCh37 (hg19) VCF-style: chr5-1260608-C-T.
Other names: c.2762G>A, p.Ser921Asn (NM_001193376.3); short protein forms S921N, S984N.
Identifiers: ClinVar variation 1009899 (VCV001009899.9), dbSNP rs1748149112, ClinGen allele CA359069700.

ClinVar aggregate classification (germline): Uncertain significance (1 of 4 stars; one submission).

Conditions:
Dyskeratosis congenita, autosomal dominant 2. Identifiers: MedGen C3151443, MONDO:0013521, OMIM 613989.
Idiopathic Pulmonary Fibrosis. Also called: Idiopathic fibrosing alveolitis, chronic form; idiopathic fibrosing alveolitis. Identifiers: Orphanet 2032, MedGen C1800706, MeSH D054990, MONDO:0800504.

Submission:

Labcorp Genetics (formerly Invitae), Labcorp
Classification: Uncertain significance for Dyskeratosis congenita, autosomal dominant 2; Idiopathic Pulmonary Fibrosis. Last evaluated: 2022-02-11. Review status: criteria provided, single submitter. Criteria: Invitae Variant Classification Sherloc (09022015). Collection method: clinical testing. Allele origin: germline.
Comment: In summary, the available evidence is currently insufficient to determine the role of this variant in disease. Therefore, it has been classified as a Variant of Uncertain Significance. Algorithms developed to predict the effect of missense changes on protein structure and function (SIFT, PolyPhen-2, Align-GVGD) all suggest that this variant is likely to be tolerated. ClinVar contains an entry for this variant (Variation ID: 1009899). This variant has not been reported in the literature in individuals affected with TERT-related conditions. This variant is not present in population databases (gnomAD no frequency). This sequence change replaces serine, which is neutral and polar, with asparagine, which is neutral and polar, at codon 984 of the TERT protein (p.Ser984Asn).